The following is an entry in ClinVar:

ClinVar aggregate classification (germline): Uncertain significance. Review status: criteria provided, multiple submitters, no conflicts (2 of 4 stars). 3 submissions from 3 submitters: Uncertain significance (3). Last evaluated 2024-09-12.

Conditions:
Familial melanoma. Also called: Hereditary melanoma; Hereditary cutaneous melanoma. Identifiers: Orphanet 618, MedGen C1512419, MONDO:0018961.
Hereditary cancer-predisposing syndrome. Also called: Hereditary neoplastic syndrome; Neoplastic Syndromes, Hereditary; Hereditary Cancer Syndrome; Tumor predisposition. Identifiers: Orphanet 140162, MedGen C0027672, MeSH D009386, MONDO:0015356.

Allele frequency attached by ClinVar (database versions not stated): gnomAD exomes below 0.00001; gnomAD 0.00001.
gnomAD v4.1: 5 of 1,611,926 alleles (0.00031%); highest among the groups gnomAD compares: East Asian, 0.0089%; no homozygotes.

Submissions (3):

Ambry Genetics
Classification: Uncertain significance for Hereditary cancer-predisposing syndrome. Last evaluated: 2024-09-12. Review status: criteria provided, single submitter. Criteria: Ambry Variant Classification Scheme 2023. Collection method: clinical testing. Allele origin: germline.
Comment: The p.G135E variant (also known as c.404G>A), located in coding exon 2 of the CDKN2A gene, results from a G to A substitution at nucleotide position 404. The glycine at codon 135 is replaced by glutamic acid, an amino acid with similar properties. This amino acid position is not well conserved in available vertebrate species. In addition, the in silico prediction for this alteration is inconclusive. Based on the available evidence, the clinical significance of this variant remains unclear.

Labcorp Genetics (formerly Invitae), Labcorp
Classification: Uncertain significance for Familial melanoma. Last evaluated: 2024-08-03. Review status: criteria provided, single submitter. Criteria: Invitae Variant Classification Sherloc (09022015). Collection method: clinical testing. Allele origin: germline.
Comment: This sequence change replaces glycine, which is neutral and non-polar, with glutamic acid, which is acidic and polar, at codon 135 of the CDKN2A (p16INK4a) protein (p.Gly135Glu). The frequency data for this variant in the population databases is considered unreliable, as metrics indicate poor data quality at this position in the gnomAD database. This variant has not been reported in the literature in individuals affected with CDKN2A (p16INK4a)-related conditions. ClinVar contains an entry for this variant (Variation ID: 463504). An algorithm developed to predict the effect of missense changes on protein structure and function outputs the following: PolyPhen-2: "Possibly Damaging". The glutamic acid amino acid residue is found in multiple mammalian species, which suggests that this missense change does not adversely affect protein function. In summary, the available evidence is currently insufficient to determine the role of this variant in disease. Therefore, it has been classified as a Variant of Uncertain Significance.

Color Diagnostics, LLC DBA Color Health
Classification: Uncertain significance for Hereditary cancer-predisposing syndrome. Last evaluated: 2020-07-28. Review status: criteria provided, single submitter. Criteria: ACMG Guidelines, 2015. Collection method: clinical testing. Allele origin: germline.
Comment: This missense variant replaces glycine with glutamic acid at codon 135 of the CDKN2A (p16INK4A) protein. Computational prediction suggests that this variant may not impact protein structure and function (internally defined REVEL score threshold <= 0.5, PMID: 27666373). To our knowledge, functional studies have not been reported for this variant. This variant has not been reported in individuals affected with hereditary cancer in the literature. This variant has been identified in 2/277238 chromosomes in the general population by the Genome Aggregation Database (gnomAD). The available evidence is insufficient to determine the role of this variant in disease conclusively. Therefore, this variant is classified as a Variant of Uncertain Significance.

NM_000077.5(CDKN2A):c.404G>A (p.Gly135Glu)

Gene: CDKN2A (cyclin dependent kinase inhibitor 2A; minus strand). Cytogenetic location: 9p21.3.
Variant type: single nucleotide variant.
Coding change: c.404G>A on transcript NM_000077.5; coding-DNA position 404, G replaced by A.
Protein change: p.Gly135Glu; replaces glycine 135 with glutamic acid.
Molecular consequence: missense variant (on NM_000077.6). On other transcripts: 3 prime UTR variant (2).
Genome position (GRCh38, 1-based): chr9:21,970,955, C>T on the plus strand (G>A on the coding strand, the complement: CDKN2A is on the minus strand). VCF-style: chr9-21970955-C-T. GRCh37 (hg19) VCF-style: chr9-21970954-C-T.
Other names: c.404G>A, p.Gly135Glu (NM_000077.6, NM_001195132.2); c.251G>A, p.Gly84Glu (NM_001363763.2); c.*48G>A (NM_058195.4); c.*327G>A (NM_058197.5); short protein forms G135E, G84E.
Identifiers: ClinVar variation 463504 (VCV000463504.17), dbSNP rs1182554152, ClinGen allele CA373085905.